The following is an entry in ClinVar:

ClinVar aggregate classification (germline): Uncertain significance (1 of 4 stars; one submission).

Submission:

GeneDx
Classification: Uncertain significance. Last evaluated: 2025-03-14. Review status: criteria provided, single submitter. Criteria: GeneDx Variant Classification Process June 2021. Collection method: clinical testing. Allele origin: germline. Affected: yes.
Comment: Has not been previously published as pathogenic or benign to our knowledge; Not observed at significant frequency in large population cohorts (gnomAD); In silico analysis supports that this missense variant has a deleterious effect on protein structure/function

NM_153766.3(KCNJ1):c.66G>C (p.Arg22Ser)

Gene: KCNJ1 (potassium inwardly rectifying channel subfamily J member 1; minus strand). Cytogenetic location: 11q24.3.
Variant type: single nucleotide variant.
Coding change: c.66G>C on transcript NM_153766.3 (MANE Select); coding-DNA position 66, G replaced by C.
Protein change: p.Arg22Ser; replaces arginine 22 with serine.
Molecular consequence: missense variant.
Genome position (GRCh38, 1-based): chr11:128,840,178, C>G on the plus strand (G>C on the coding strand, the complement: KCNJ1 is on the minus strand). VCF-style: chr11-128840178-C-G. GRCh37 (hg19) VCF-style: chr11-128710073-C-G.
Other names: c.123G>C, p.Arg41Ser (NM_000220.6); c.66G>C, p.Arg22Ser (NM_153764.3, NM_153767.4); c.117G>C, p.Arg39Ser (NM_153765.3); short protein forms R22S, R39S, R41S.
Identifiers: ClinVar variation 4086688 (VCV004086688.1).